The following is an entry in ClinVar:

NM_032357.4(VMA22):c.*2A>G

Gene: VMA22 (vacuolar ATPase assembly factor VMA22; minus strand). Cytogenetic location: 2q21.1.
Variant type: single nucleotide variant.
Coding change: c.*2A>G on transcript NM_032357.4 (MANE Select); 2 bases downstream of the stop codon, A replaced by G.
Molecular consequence: 3 prime UTR variant. On other transcripts: non-coding transcript variant (2).
Genome position (GRCh38, 1-based): chr2:130,339,118, T>C on the plus strand (A>G on the coding strand, the complement: VMA22 is on the minus strand). VCF-style: chr2-130339118-T-C. GRCh37 (hg19) VCF-style: chr2-131096691-T-C.
Other names: c.*2A>G (NM_001321118.1, NM_001321119.2).
Identifiers: ClinVar variation 4988801 (VCV004988801.1).

ClinVar aggregate classification (germline): Likely benign (1 of 4 stars; one submission).

Conditions:
VMA22-related condition.

gnomAD v4.1: 23 of 1,610,996 alleles (0.0014%); highest among the groups gnomAD compares: Non-Finnish European, 0.002%; no homozygotes.

Submission:

PreventionGenetics, part of Exact Sciences
Classification: Likely benign for VMA22-related condition. Last evaluated: 2026-07-16. Review status: criteria provided, single submitter. Criteria: ACMG Guidelines, 2015. Collection method: clinical testing. Allele origin: germline.
Comment: This variant is classified as likely benign based on ACMG/AMP sequence variant interpretation guidelines (Richards et al. 2015 PMID: 25741868, with internal and published modifications).